The following is an entry in ClinVar:

ClinVar aggregate classification (germline): Likely benign (0 of 4 stars; one submission).

Conditions:
RRAS-related disorder. Also called: RRAS-related condition.

Submission:

PreventionGenetics, part of Exact Sciences
Classification: Likely benign for RRAS-related condition. Last evaluated: 2020-02-12. Review status: no assertion criteria provided. Collection method: clinical testing. Allele origin: germline.
Comment: This variant is classified as likely benign based on ACMG/AMP sequence variant interpretation guidelines (Richards et al. 2015 PMID: 25741868, with internal and published modifications).

NM_006270.5(RRAS):c.39G>T (p.Arg13=)

Gene: RRAS (RAS related; minus strand). Cytogenetic location: 19q13.33.
Variant type: single nucleotide variant.
Coding change: c.39G>T on transcript NM_006270.5 (MANE Select); coding-DNA position 39, G replaced by T.
Protein change: p.Arg13=; no amino-acid change (arginine 13 retained).
Molecular consequence: synonymous variant.
Genome position (GRCh38, 1-based): chr19:49,640,060, C>A on the plus strand (G>T on the coding strand, the complement: RRAS is on the minus strand). VCF-style: chr19-49640060-C-A. GRCh37 (hg19) VCF-style: chr19-50143317-C-A.
Identifiers: ClinVar variation 3039622 (VCV003039622.2), dbSNP rs2513709818, ClinGen allele CA508131292.